The following is an entry in ClinVar:

ClinVar aggregate classification (germline): Likely benign (1 of 4 stars; one submission).

Allele frequency attached by ClinVar (database versions not stated): gnomAD exomes 0.00005; 1000 Genomes Project 30x 0.00016; 1000 Genomes Project 0.00020; ExAC 0.00002; gnomAD 0.00003; TOPMed 0.00004.
gnomAD v4.1: 76 of 1,607,584 alleles (0.0047%); highest among the groups gnomAD compares: Non-Finnish European, 0.0056%; no homozygotes.

Submission:

CeGaT Center for Human Genetics Tuebingen
Classification: Likely benign. Last evaluated: 2024-05-01. Review status: criteria provided, single submitter. Criteria: CeGaT Center For Human Genetics Tuebingen Variant Classification Criteria Version 2. Collection method: clinical testing. Allele origin: germline. Affected: yes. Observed: 1 variant allele.
Comment: HECW2: BS2

NM_001348768.2(HECW2):c.4610C>T (p.Ala1537Val)

Gene: HECW2 (HECT, C2 and WW domain containing E3 ubiquitin protein ligase 2; minus strand). Cytogenetic location: 2q32.3.
Variant type: single nucleotide variant.
Coding change: c.4610C>T on transcript NM_001348768.2 (MANE Select); coding-DNA position 4610, C replaced by T.
Protein change: p.Ala1537Val; replaces alanine 1537 with valine.
Molecular consequence: missense variant.
Genome position (GRCh38, 1-based): chr2:196,201,386, G>A on the plus strand (C>T on the coding strand, the complement: HECW2 is on the minus strand). VCF-style: chr2-196201386-G-A. GRCh37 (hg19) VCF-style: chr2-197066110-G-A.
Other names: c.3542C>T, p.Ala1181Val (NM_001304840.3); c.4610C>T, p.Ala1537Val (NM_020760.4); short protein forms A1181V, A1537V.
Identifiers: ClinVar variation 3239275 (VCV003239275.19), dbSNP rs560792476.
Genomic context (GRCh38, chr2:196,201,386, plus strand): 5'-TCATAAAGCATGGAAAAGGATGGGTAGGGAGGCAGATCCAGACGGTTAAAACATGTATGC[G>A]CTCTGAAAACACAAGAAACAGCACATAGTTTAGAACAGGCCGAGTGAAATGAAAATGTGT-3'
Protein context (NP_001335697.1, residues 1527-1547): KWGKITALPR[Ala1537Val]HTCFNRLDLP